The following is an entry in ClinVar:

NM_007294.4(BRCA1):c.4456del (p.Ser1486fs)

Gene: BRCA1 (BRCA1 DNA repair associated; minus strand). Cytogenetic location: 17q21.31.
Variant type: Deletion.
Coding change: c.4456del on transcript NM_007294.4 (MANE Select); coding-DNA position 4456, one base deleted (A; older notation c.4456delA).
Protein change: p.Ser1486fs; shifts the reading frame from serine 1486.
Molecular consequence: frameshift variant. On other transcripts: non-coding transcript variant (1).
Genome position (GRCh38, 1-based): chr17:43,076,516, T deleted on the plus strand (A on the coding strand, the reverse complement: BRCA1 is on the minus strand). VCF-style (leftmost placement, unchanged base first): chr17-43076515-CT-C. GRCh37 (hg19) VCF-style: chr17-41228532-CT-C.
Other names: 4575delA-ter1504; c.4456delA, p.Ser1486Valfs (NM_001407854.1, NM_001407593.1, NM_001407594.1 and 8 more transcripts); c.4453delA, p.Ser1485Valfs (NM_001407858.1, NM_001407859.1, NM_001407860.1 and 17 more transcripts); c.4450delA, p.Ser1484Valfs (NM_001407861.1, NM_001407627.1, NM_001407628.1 and 14 more transcripts); c.4255delA, p.Ser1419Valfs (NM_001407862.1); c.4330delA, p.Ser1444Valfs (NM_001407863.1, NM_001407939.1, NM_001407940.1 and 11 more transcripts); c.4249delA, p.Ser1417Valfs (NM_001407874.1, NM_001407875.1); c.4246delA, p.Ser1416Valfs (NM_001407879.1, NM_001407881.1, NM_001407882.1 and 5 more transcripts); and 72 more; short protein forms S1439fs, S1507fs, S382fs, S1486fs.
Identifiers: ClinVar variation 55204 (VCV000055204.7), dbSNP rs397509179, ClinGen allele CA002859.
Genomic context (GRCh38, chr17:43,076,515, plus strand): 5'-ATACCACAGCATCTTTACATTGATGTTTCTTACCTTTCCACTCCTGGTTCTTTATTTTTA[CT>C]GGTAGAACTATCTGCAGACACCTCAAACTTGTCAGCAGAAAGGCCTTCTGGATTCTGGCT-3'

ClinVar aggregate classification (germline): Pathogenic. Review status: reviewed by expert panel (3 of 4 stars). 3 submissions from 3 submitters: Pathogenic (1). 2 of the submissions do not count toward it. Last evaluated 2016-10-18.

Conditions:
Breast-ovarian cancer, familial, susceptibility to, 1 (BROVCA1). Also called: BRCA1 Hereditary Breast and Ovarian Cancer; OVARIAN CANCER, SUSCEPTIBILITY TO. Identifiers: Orphanet 145, MedGen C2676676, MONDO:0011450, OMIM 604370. Disease mechanism: loss of function.
Hereditary breast ovarian cancer syndrome. Also called: BRCA1- and BRCA2-Associated Hereditary Breast and Ovarian Cancer; Hereditary breast and ovarian cancer syndrome; Hereditary breast and ovarian cancer syndrome (HBOC); Breast and ovarian cancer; Hereditary breast and/or ovarian cancer syndrome; Hereditary breast and ovarian cancer. Identifiers: Orphanet 145, MedGen C0677776, MeSH D061325, MONDO:0003582. Disease mechanism: loss of function.

Submissions (3):

Evidence-based Network for the Interpretation of Germline Mutant Alleles (ENIGMA)
Classification: Pathogenic for Breast-ovarian cancer, familial, susceptibility to, 1. Last evaluated: 2016-10-18. Review status: reviewed by expert panel. Criteria: ENIGMA BRCA1/2 Classification Criteria (2015). Collection method: curation. Allele origin: germline.
Comment: Variant allele predicted to encode a truncated non-functional protein.

Consortium of Investigators of Modifiers of BRCA1/2 (CIMBA), c/o University of Cambridge
Classification: Pathogenic for Breast-ovarian cancer, familial, susceptibility to, 1. Last evaluated: 2015-10-02. Review status: criteria provided, single submitter. Criteria: CIMBA Mutation Classification guidelines May 2016. Collection method: clinical testing. Allele origin: germline. Not counted in ClinVar's aggregate classification.

Research Molecular Genetics Laboratory, Women's College Hospital, University of Toronto
Classification: Pathogenic for Hereditary breast ovarian cancer syndrome. Last evaluated: 2014-01-31. Review status: no assertion criteria provided. Collection method: research. Allele origin: germline. Affected: yes. Study: The Canadian Open Genetics Repository (COGR). Not counted in ClinVar's aggregate classification.